The following is an entry in ClinVar:

ClinVar aggregate classification (germline): Uncertain significance (1 of 4 stars; one submission).

Conditions:
Joubert syndrome. Also called: CEREBELLOPARENCHYMAL DISORDER IV; JOUBERT-BOLTSHAUSER SYNDROME; Familial aplasia of the vermis. Identifiers: Orphanet 475, MedGen C5979921, MONDO:0018772.
Meckel-Gruber syndrome. Also called: DYSENCEPHALIA SPLANCHNOCYSTICA; GRUBER SYNDROME; Dysencephalia splachnocystica. Identifiers: Orphanet 564, MedGen C0265215, MONDO:0018921.

Submission:

Labcorp Genetics (formerly Invitae), Labcorp
Classification: Uncertain significance for Joubert syndrome; Meckel-Gruber syndrome. Last evaluated: 2022-05-04. Review status: criteria provided, single submitter. Criteria: Invitae Variant Classification Sherloc (09022015). Collection method: clinical testing. Allele origin: germline.
Comment: In summary, the available evidence is currently insufficient to determine the role of this variant in disease. Therefore, it has been classified as a Variant of Uncertain Significance. Algorithms developed to predict the effect of missense changes on protein structure and function output the following: SIFT: "Tolerated"; PolyPhen-2: "Benign"; Align-GVGD: "Class C0". The isoleucine amino acid residue is found in multiple mammalian species, which suggests that this missense change does not adversely affect protein function. This variant has not been reported in the literature in individuals affected with TCTN1-related conditions. This variant is not present in population databases (gnomAD no frequency). This sequence change replaces valine, which is neutral and non-polar, with isoleucine, which is neutral and non-polar, at codon 282 of the TCTN1 protein (p.Val282Ile).

NM_001082538.3(TCTN1):c.844G>A (p.Val282Ile)

Gene: TCTN1 (tectonic family member 1; plus strand). Cytogenetic location: 12q24.11.
Variant type: single nucleotide variant.
Coding change: c.844G>A on transcript NM_001082538.3 (MANE Select); coding-DNA position 844, G replaced by A.
Protein change: p.Val282Ile; replaces valine 282 with isoleucine.
Molecular consequence: missense variant. On other transcripts: non-coding transcript variant (1).
Genome position (GRCh38, 1-based): chr12:110,640,383, G>A. VCF-style: chr12-110640383-G-A. GRCh37 (hg19) VCF-style: chr12-111078188-G-A.
Other names: c.844G>A, p.Val282Ile (NM_001082537.3, NM_001319680.2); c.676G>A, p.Val226Ile (NM_001173975.3); c.664G>A, p.Val222Ile (NM_001173976.2); c.310G>A, p.Val104Ile (NM_001319681.2); c.802G>A, p.Val268Ile (NM_024549.6); short protein forms V268I, V282I, V104I, V222I, V226I.
Identifiers: ClinVar variation 2133841 (VCV002133841.4), dbSNP rs1204580133, ClinGen allele CA386704540.
Genomic context (GRCh38, chr12:110,640,383, plus strand): 5'-TATTTTAGCCCATCCTCCCTGGGTAGAGCATCTTCAACACTCCAGGTCTTCACTCTGCAG[G>A]TCCCTATCACTGTTCAGTCCATCGTCATTCAGTCTCTAAATAAAACGCTCACCCGACGGG-3'
Protein context (NP_001076007.1, residues 272-292): ILRVPDSRKK[Val282Ile]PITVQSIVIQ